The following is an entry in ClinVar:

ClinVar aggregate classification (germline): Likely benign. Review status: criteria provided, multiple submitters, no conflicts (2 of 4 stars). 3 submissions from 3 submitters: Likely benign (2). 1 of the submissions does not count toward it. Last evaluated 2025-07-10.

Conditions:
Cardiovascular phenotype. Identifiers: MedGen CN230736.
Osteogenesis imperfecta type I (OI1). Also called: Osteogenesis imperfecta type 1; Lobstein's Disease; Lobstein disease; OI, TYPE I; OSTEOGENESIS IMPERFECTA TARDA; OSTEOGENESIS IMPERFECTA WITH BLUE SCLERAE. Identifiers: Orphanet 216796, Orphanet 666, MedGen C0023931, MONDO:0008146, OMIM 166200. Disease mechanism: loss of function.
COL1A1-related disorder. Also called: COL1A1- related disease; COL1A1-related condition.

Allele frequency attached by ClinVar (database versions not stated): gnomAD exomes 0.00001; gnomAD 0.00002; TOPMed 0.00002; ExAC 0.00004.
gnomAD v4.1: 58 of 1,564,604 alleles (0.0037%); highest among the groups gnomAD compares: Admixed American, 0.0057%; no homozygotes.

Submissions (3):

Labcorp Genetics (formerly Invitae), Labcorp
Classification: Likely benign for Osteogenesis imperfecta type I. Last evaluated: 2025-07-10. Review status: criteria provided, single submitter. Criteria: Invitae Variant Classification Sherloc (09022015). Collection method: clinical testing. Allele origin: germline.

Ambry Genetics
Classification: Likely benign for Cardiovascular phenotype. Last evaluated: 2023-10-19. Review status: criteria provided, single submitter. Criteria: Ambry Variant Classification Scheme 2023. Collection method: clinical testing. Allele origin: germline.

PreventionGenetics, part of Exact Sciences
Classification: Likely benign for COL1A1-related condition. Last evaluated: 2019-10-16. Review status: no assertion criteria provided. Collection method: clinical testing. Allele origin: germline. Not counted in ClinVar's aggregate classification.
Comment: This variant is classified as likely benign based on ACMG/AMP sequence variant interpretation guidelines (Richards et al. 2015 PMID: 25741868, with internal and published modifications).

NM_000088.4(COL1A1):c.3222C>T (p.Pro1074=)

Gene: COL1A1 (collagen type I alpha 1 chain; minus strand). Cytogenetic location: 17q21.33.
Variant type: single nucleotide variant.
Coding change: c.3222C>T on transcript NM_000088.4 (MANE Select); coding-DNA position 3222, C replaced by T.
Protein change: p.Pro1074=; no amino-acid change (proline 1074 retained).
Molecular consequence: synonymous variant.
Genome position (GRCh38, 1-based): chr17:50,188,135, G>A on the plus strand (C>T on the coding strand, the complement: COL1A1 is on the minus strand). VCF-style: chr17-50188135-G-A. GRCh37 (hg19) VCF-style: chr17-48265496-G-A.
Other names: c.3222C>T (NM_000088.3).
Identifiers: ClinVar variation 1142917 (VCV001142917.12), dbSNP rs764134427, ClinGen allele CA8644521.